The following is an entry in ClinVar:

ClinVar aggregate classification (germline): Uncertain significance (1 of 4 stars; one submission).

Conditions:
Autoimmune interstitial lung disease-arthritis syndrome. Also called: Autoinflammation and autoimmunity, systemic, with immune dysregulation. Identifiers: Orphanet 444092, MedGen C5975714, MONDO:0014629.

gnomAD v4.1: 1 of 1,613,382 alleles (0.000062%); highest among the groups gnomAD compares: Non-Finnish European, 0.000085%; no homozygotes.

Submission:

Labcorp Genetics (formerly Invitae), Labcorp
Classification: Uncertain significance for Autoimmune interstitial lung disease-arthritis syndrome. Last evaluated: 2025-08-17. Review status: criteria provided, single submitter. Criteria: Invitae Variant Classification Sherloc (09022015). Collection method: clinical testing. Allele origin: germline.
Comment: This sequence change replaces glycine, which is neutral and non-polar, with serine, which is neutral and polar, at codon 312 of the COPA protein (p.Gly312Ser). This variant is not present in population databases (gnomAD no frequency). This variant has not been reported in the literature in individuals affected with COPA-related conditions. Invitae Evidence Modeling of protein sequence and biophysical properties (such as structural, functional, and spatial information, amino acid conservation, physicochemical variation, residue mobility, and thermodynamic stability) indicates that this missense variant is not expected to disrupt COPA protein function with a negative predictive value of 80%. In summary, the available evidence is currently insufficient to determine the role of this variant in disease. Therefore, it has been classified as a Variant of Uncertain Significance.

NM_004371.4(COPA):c.934G>A (p.Gly312Ser)

Gene: COPA (coat protein complex I subunit alpha; minus strand). Cytogenetic location: 1q23.2.
Variant type: single nucleotide variant.
Coding change: c.934G>A on transcript NM_004371.4 (MANE Select); coding-DNA position 934, G replaced by A.
Protein change: p.Gly312Ser; replaces glycine 312 with serine.
Molecular consequence: missense variant.
Genome position (GRCh38, 1-based): chr1:160,312,010, C>T on the plus strand (G>A on the coding strand, the complement: COPA is on the minus strand). VCF-style: chr1-160312010-C-T. GRCh37 (hg19) VCF-style: chr1-160281800-C-T.
Other names: c.934G>A, p.Gly312Ser (NM_001098398.2); short protein forms G312S.
Identifiers: ClinVar variation 4780851 (VCV004780851.1).